The following is an entry in ClinVar:

ClinVar aggregate classification (germline): Uncertain significance (1 of 4 stars; one submission).

Submission:

GeneDx
Classification: Uncertain significance. Last evaluated: 2026-03-20. Review status: criteria provided, single submitter. Criteria: GeneDx Variant Classification Process June 2021. Collection method: clinical testing. Allele origin: germline.
Comment: Not observed at significant frequency in large population cohorts (gnomAD); In silico analysis supports that this missense variant has a deleterious effect on protein structure/function; Has not been previously published as pathogenic or benign to our knowledge; In silico analysis suggests this variant may impact gene splicing. In the absence of RNA/functional studies, the actual effect of this sequence change is unknown.

NM_001128840.3(CACNA1D):c.3499G>A (p.Glu1167Lys)

Genes: CACNA1D (calcium voltage-gated channel subunit alpha1 D; plus strand), LOC129936904 (ATAC-STARR-seq lymphoblastoid active region 19969; plus strand). Cytogenetic location: 3p21.1.
Variant type: single nucleotide variant.
Coding change: c.3499G>A on transcript NM_001128840.3 (MANE Select); coding-DNA position 3499, G replaced by A.
Protein change: p.Glu1167Lys; replaces glutamic acid 1167 with lysine.
Molecular consequence: missense variant.
Genome position (GRCh38, 1-based): chr3:53,749,452, G>A. VCF-style: chr3-53749452-G-A. GRCh37 (hg19) VCF-style: chr3-53783479-G-A.
Other names: c.3559G>A, p.Glu1187Lys (NM_000720.4); c.3499G>A, p.Glu1167Lys (NM_001128839.3); short protein forms E1167K, E1187K.
Identifiers: ClinVar variation 5009355 (VCV005009355.1).